The following is an entry in ClinVar:

NM_021252.5(RAB18):c.*2974C>G

Gene: RAB18 (RAB18, member RAS oncogene family; plus strand). Cytogenetic location: 10p12.1.
Variant type: single nucleotide variant.
Coding change: c.*2974C>G on transcript NM_021252.5 (MANE Select); 2974 bases downstream of the stop codon, C replaced by G.
Molecular consequence: 3 prime UTR variant. On other transcripts: non-coding transcript variant (1).
Genome position (GRCh38, 1-based): chr10:27,541,025, C>G. VCF-style: chr10-27541025-C-G. GRCh37 (hg19) VCF-style: chr10-27829954-C-G.
Other names: NC_000010.10:g.27829954C>G; c.*2974C>G (NM_001256410.2, NM_001256412.2); c.*2934C>G (NM_001256411.2).
Identifiers: ClinVar variation 299863 (VCV000299863.6), dbSNP rs532562164, ClinGen allele CA5452560.

ClinVar aggregate classification (germline): Likely benign (1 of 4 stars; one submission).

Conditions:
Warburg micro syndrome 3 (WARBM3). Also called: MICRO SYNDROME 3. Identifiers: Orphanet 2510, MedGen C3280203, MONDO:0013638, OMIM 614222.

Allele frequency attached by ClinVar (database versions not stated): 1000 Genomes Project 30x 0.00187; 1000 Genomes Project 0.00200; ExAC 0.00366; gnomAD exomes 0.00370 and 0.00505; TOPMed 0.00412.

Submissions (2):

Illumina Laboratory Services, Illumina
Classification: Likely benign for Warburg micro syndrome 3. Last evaluated: 2018-01-13. Review status: criteria provided, single submitter. Criteria: ICSL Variant Classification Criteria 13 December 2019. Collection method: clinical testing. Allele origin: germline.
Comment: This variant was observed in the ICSL laboratory as part of a predisposition screen in an ostensibly healthy population. It had not been previously curated by ICSL or reported in the Human Gene Mutation Database (HGMD: prior to June 1st, 2018), and was therefore a candidate for classification through an automated scoring system. Utilizing variant allele frequency, disease prevalence and penetrance estimates, and inheritance mode, an automated score was calculated to assess if this variant is too frequent to cause the disease. Based on the score and internal cut-off values, a variant classified as likely benign is not then subjected to further curation. The score for this variant resulted in a classification of likely benign for this disease.

Dr. Peter K. Rogan Lab, Western University
No classification provided (evidence only). Condition: Acute myeloid leukemia. Review status: no classification provided. Collection method: in vitro. Allele origin: not applicable. Functional consequence: retained intron. Not counted in ClinVar's aggregate classification.